The following is an entry in ClinVar:

NM_001605.3(AARS1):c.1856T>C (p.Leu619Pro)

Gene: AARS1 (alanyl-tRNA synthetase 1; minus strand). Cytogenetic location: 16q22.1.
Variant type: single nucleotide variant.
Coding change: c.1856T>C on transcript NM_001605.3 (MANE Select); coding-DNA position 1856, T replaced by C.
Protein change: p.Leu619Pro; replaces leucine 619 with proline.
Molecular consequence: missense variant.
Genome position (GRCh38, 1-based): chr16:70,259,116, A>G on the plus strand (T>C on the coding strand, the complement: AARS1 is on the minus strand). VCF-style: chr16-70259116-A-G. GRCh37 (hg19) VCF-style: chr16-70293019-A-G.
Other names: short protein forms L619P.
Identifiers: ClinVar variation 2035067 (VCV002035067.4), dbSNP rs1960070620, ClinGen allele CA396558200.

ClinVar aggregate classification (germline): Uncertain significance (1 of 4 stars; one submission).

Conditions:
Charcot-Marie-Tooth disease type 2. Also called: Charcot-Marie-Tooth type 2. Identifiers: Orphanet 64746, MedGen C0270914, MONDO:0018993.

Allele frequency attached by ClinVar (database versions not stated): gnomAD 0.00001.
gnomAD v4.1: 1 of 1,614,050 alleles (0.000062%); highest among the groups gnomAD compares: African/African-American, 0.0013%; no homozygotes.

Submission:

Labcorp Genetics (formerly Invitae), Labcorp
Classification: Uncertain significance for Charcot-Marie-Tooth disease type 2. Last evaluated: 2024-11-05. Review status: criteria provided, single submitter. Criteria: Invitae Variant Classification Sherloc (09022015). Collection method: clinical testing. Allele origin: germline.
Comment: This sequence change replaces leucine, which is neutral and non-polar, with proline, which is neutral and non-polar, at codon 619 of the AARS protein (p.Leu619Pro). This variant is not present in population databases (gnomAD no frequency). This variant has not been reported in the literature in individuals affected with AARS-related conditions. ClinVar contains an entry for this variant (Variation ID: 2035067). Invitae Evidence Modeling of protein sequence and biophysical properties (such as structural, functional, and spatial information, amino acid conservation, physicochemical variation, residue mobility, and thermodynamic stability) indicates that this missense variant is expected to disrupt AARS protein function with a positive predictive value of 95%. In summary, the available evidence is currently insufficient to determine the role of this variant in disease. Therefore, it has been classified as a Variant of Uncertain Significance.